The following is an entry in ClinVar:

ClinVar aggregate classification (germline): Benign/Likely benign. Review status: criteria provided, multiple submitters, no conflicts (2 of 4 stars). 7 submissions from 7 submitters: Benign (3); Likely benign (2). 2 of the submissions do not count toward it. Last evaluated 2026-09-01.

Conditions:
Autosomal recessive juvenile Parkinson disease 2. Also called: PARKINSON DISEASE, JUVENILE, AUTOSOMAL RECESSIVE; Parkinson disease autosomal recessive, early onset; Juvenile parkinsonism; Parkinsonism, early onset, with diurnal fluctuation; Parkinson disease, juvenile, type 2; PRKN-Related Early-Onset Parkinson Disease. Identifiers: Orphanet 2828, MedGen C1868675, MONDO:0010820, OMIM 600116.

Allele frequency attached by ClinVar (database versions not stated): TOPMed 0.00191; 1000 Genomes Project 0.00120; 1000 Genomes Project 30x 0.00094.
gnomAD v4.1: 4,387 of 1,611,002 alleles (0.27%); highest among the groups gnomAD compares: Middle Eastern, 0.35%; 18 homozygotes.

Submissions (7):

CeGaT Center for Human Genetics Tuebingen
Classification: Likely benign. Last evaluated: 2026-09-01. Review status: criteria provided, single submitter. Criteria: CeGaT Center For Human Genetics Tuebingen Variant Classification Criteria Version 2. Collection method: clinical testing. Allele origin: germline. Affected: yes. Observed: 24 variant alleles.
Comment: PRKN: PM5, BP4, BS2

Labcorp Genetics (formerly Invitae), Labcorp
Classification: Benign. Last evaluated: 2026-02-02. Review status: criteria provided, single submitter. Criteria: Invitae Variant Classification Sherloc (09022015). Collection method: clinical testing. Allele origin: germline.

Mayo Clinic Laboratories, Mayo Clinic
Classification: Benign. Last evaluated: 2024-05-31. Review status: criteria provided, single submitter. Criteria: ACMG Guidelines, 2015. Collection method: clinical testing. Allele origin: germline. Observed: 5 variant alleles.
Comment: BS1, BS2

Athena Diagnostics
Classification: Benign. Last evaluated: 2024-04-19. Review status: criteria provided, single submitter. Criteria: Athena Diagnostics Criteria. Collection method: clinical testing. Allele origin: unknown.

Molecular Genetics, Royal Melbourne Hospital
Classification: Likely benign for Autosomal recessive juvenile Parkinson disease 2. Last evaluated: 2023-05-04. Review status: criteria provided, single submitter. Criteria: ACMG Guidelines, 2015. Collection method: clinical testing. Allele origin: germline. Affected: yes.
Comment: European Non-Finnish population allele frequency is 0.5053% (rs55774500, 902/251272 alleles, 5 homozygotes in gnomAD v2.1). Based on the classification scheme RMH Modified ACMG/AMP Guidelines v1.5.1, this variant is classified as LIKELY BENIGN. Following criteria are met: BS1

Laboratory for Molecular Medicine, Mass General Brigham Personalized Medicine
Classification: Uncertain significance. Last evaluated: 2016-03-29. Review status: flagged submission. Criteria: LMM Criteria. Collection method: clinical testing. Allele origin: germline. Not counted in ClinVar's aggregate classification.
Comment: Variant identified in a genome or exome case(s) and assessed due to predicted null impact of the variant or pathogenic assertions in the literature or databases. Disclaimer: This variant has not undergone full assessment. The following are preliminary notes: Identified in 1/344 patients with PD and in 0/340 controls. No new evidence since then. Several publications in HGMD describe it as polymorphism/ non pathogenic
ClinVar note: Reason: Outlier claim with insufficient supporting evidence

OMIM
Classification: Pathogenic for PARKINSON DISEASE 2, AUTOSOMAL RECESSIVE JUVENILE. Last evaluated: 2001-08-01. Review status: flagged submission. Collection method: literature only. Allele origin: germline. Not counted in ClinVar's aggregate classification.
ClinVar note: Reason: Outlier claim with insufficient supporting evidence

Literature cited by the submitters: PubMed 33845304 (cited by Mayo Clinic Laboratories, Mayo Clinic); PubMed 11487568 (cited by Athena Diagnostics and OMIM); PubMed 25591737 (cited by Athena Diagnostics); PubMed 37750340 (cited by Athena Diagnostics); PubMed 26683220 (cited by Athena Diagnostics); PubMed 15596756 (cited by Athena Diagnostics); PubMed 30994895 (cited by Athena Diagnostics); PubMed 35954270 (cited by Athena Diagnostics); PubMed 37139776 (cited by Athena Diagnostics); PubMed 38137339 (cited by Athena Diagnostics); PubMed 38173558 (cited by Athena Diagnostics); PubMed 38378758 (cited by Athena Diagnostics); PubMed 27094865 (cited by Athena Diagnostics); PubMed 25238391 (cited by Athena Diagnostics); PubMed 24167364 (cited by Athena Diagnostics); PubMed 24532983 (cited by Athena Diagnostics); PubMed 27455133 (cited by Athena Diagnostics); PubMed 18321758 (cited by Athena Diagnostics); PubMed 12730996 (cited by Athena Diagnostics); PubMed 14519684 (cited by Athena Diagnostics); PubMed 16714300 (cited by Athena Diagnostics); PubMed 17187375 (cited by Athena Diagnostics); PubMed 18519021 (cited by Athena Diagnostics); PubMed 19351622 (cited by Athena Diagnostics); PubMed 19405094 (cited by Athena Diagnostics); PubMed 19636047 (cited by Athena Diagnostics); PubMed 20424582 (cited by Athena Diagnostics); PubMed 20558392 (cited by Athena Diagnostics); PubMed 21753002 (cited by Athena Diagnostics); PubMed 21996382 (cited by Athena Diagnostics); PubMed 33707392 (cited by Athena Diagnostics); PubMed 26188007 (cited by Athena Diagnostics); PubMed 32740907 (cited by Athena Diagnostics); PubMed 30099245 (cited by Athena Diagnostics); PubMed 28830306 (cited by Athena Diagnostics).

NM_004562.3(PRKN):c.245C>A (p.Ala82Glu)

Gene: PRKN (parkin RBR E3 ubiquitin protein ligase; minus strand). Cytogenetic location: 6q26.
Variant type: single nucleotide variant.
Coding change: c.245C>A on transcript NM_004562.3 (MANE Select); coding-DNA position 245, C replaced by A.
Protein change: p.Ala82Glu; replaces alanine 82 with glutamic acid.
Molecular consequence: missense variant. On other transcripts: intron variant (1).
Genome position (GRCh38, 1-based): chr6:162,262,692, G>T on the plus strand (C>A on the coding strand, the complement: PRKN is on the minus strand). VCF-style: chr6-162262692-G-T. GRCh37 (hg19) VCF-style: chr6-162683724-G-T.
Other names: c.245C>A, p.Ala82Glu (NM_013987.3); c.171+180618C>A (NM_013988.3); short protein forms A82E.
Identifiers: ClinVar variation 7038 (VCV000007038.60), dbSNP rs55774500, ClinGen allele CA254080.